The following is an entry in ClinVar:

ClinVar aggregate classification (germline): Uncertain significance (1 of 4 stars; one submission).

Submission:

GeneDx
Classification: Uncertain significance. Last evaluated: 2025-05-02. Review status: criteria provided, single submitter. Criteria: GeneDx Variant Classification Process June 2021. Collection method: clinical testing. Allele origin: germline. Affected: yes.
Comment: Not observed at significant frequency in large population cohorts (gnomAD); In silico analysis supports that this missense variant has a deleterious effect on protein structure/function; Has not been previously published as pathogenic or benign to our knowledge

NM_021224.6(ZNF462):c.2885A>G (p.Tyr962Cys)

Gene: ZNF462 (zinc finger protein 462; plus strand). Cytogenetic location: 9q31.2.
Variant type: single nucleotide variant.
Coding change: c.2885A>G on transcript NM_021224.6 (MANE Select); coding-DNA position 2885, A replaced by G.
Protein change: p.Tyr962Cys; replaces tyrosine 962 with cysteine.
Molecular consequence: missense variant.
Genome position (GRCh38, 1-based): chr9:106,926,797, A>G. VCF-style: chr9-106926797-A-G. GRCh37 (hg19) VCF-style: chr9-109689078-A-G.
Other names: c.2885A>G, p.Tyr962Cys (NM_001347997.2); short protein forms Y962C.
Identifiers: ClinVar variation 4527759 (VCV004527759.1).
Genomic context (GRCh38, chr9:106,926,797, plus strand): 5'-CACATTACCAAAGAATGCATCCCACGGTGAAGATCAACAACGCGATGATATTTTCAAGCT[A>G]TGTCGTGGAGCAGCAGGAAGGGCTGAATACAGAATCCCAGACCCTGAGGGAGATTCTGAA-3'
Protein context (NP_067047.4, residues 952-972): KINNAMIFSS[Tyr962Cys]VVEQQEGLNT